The following is an entry in ClinVar:

NM_001080.3(ALDH5A1):c.*385G>C

Gene: ALDH5A1 (aldehyde dehydrogenase 5 family member A1; plus strand). Cytogenetic location: 6p22.3.
Variant type: single nucleotide variant.
Coding change: c.*385G>C on transcript NM_001080.3 (MANE Select); 385 bases downstream of the stop codon, G replaced by C.
Molecular consequence: 3 prime UTR variant.
Genome position (GRCh38, 1-based): chr6:24,534,097, G>C. VCF-style: chr6-24534097-G-C. GRCh37 (hg19) VCF-style: chr6-24534325-G-C.
Other names: c.*385G>C (NM_001368954.1, NM_170740.1).
Identifiers: ClinVar variation 356148 (VCV000356148.5), dbSNP rs13218365, ClinGen allele CA10626356.

ClinVar aggregate classification (germline): Benign (1 of 4 stars; one submission).

Conditions:
Succinate-semialdehyde dehydrogenase deficiency (SSADHD). Also called: Succinic Semialdehyde Dehydrogenase Deficiency; 4-HYDROXYBUTYRIC ACIDURIA; GABA METABOLIC DEFECT; SSADH DEFICIENCY. Identifiers: Orphanet 22, MedGen C0268631, MONDO:0010083, OMIM 271980.

Allele frequency attached by ClinVar (database versions not stated): 1000 Genomes Project 30x 0.02936; 1000 Genomes Project 0.03035; TOPMed 0.04232; gnomAD 0.04596 and 0.04756; gnomAD exomes 0.05688.
gnomAD v4.1: 12,795 of 251,786 alleles (5.1%); highest among the groups gnomAD compares: Non-Finnish European, 6.9%; 440 homozygotes.

Submission:

Illumina Laboratory Services, Illumina
Classification: Benign for Succinate-semialdehyde dehydrogenase deficiency. Last evaluated: 2018-01-12. Review status: criteria provided, single submitter. Criteria: ICSL Variant Classification Criteria 13 December 2019. Collection method: clinical testing. Allele origin: germline.
Comment: This variant was observed in the ICSL laboratory as part of a predisposition screen in an ostensibly healthy population. It had not been previously curated by ICSL or reported in the Human Gene Mutation Database (HGMD: prior to June 1st, 2018), and was therefore a candidate for classification through an automated scoring system. Utilizing variant allele frequency, disease prevalence and penetrance estimates, and inheritance mode, an automated score was calculated to assess if this variant is too frequent to cause the disease. Based on the score and internal cut-off values, a variant classified as benign is not then subjected to further curation. The score for this variant resulted in a classification of benign for this disease.